The following is an entry in ClinVar:

ClinVar aggregate classification (germline): Uncertain significance (1 of 4 stars; one submission).

Conditions:
Hypertrophic cardiomyopathy 10. Also called: CARDIOMYOPATHY, HYPERTROPHIC, MID-LEFT VENTRICULAR CHAMBER TYPE, 2; MYL2-Related Familial Hypertrophic Cardiomyopathy. Identifiers: MedGen C1834460, MONDO:0012112, OMIM 608758.

Submission:

Labcorp Genetics (formerly Invitae), Labcorp
Classification: Uncertain significance for Hypertrophic cardiomyopathy 10. Last evaluated: 2024-04-30. Review status: criteria provided, single submitter. Criteria: Invitae Variant Classification Sherloc (09022015). Collection method: clinical testing. Allele origin: germline.
Comment: This sequence change replaces glutamic acid, which is acidic and polar, with lysine, which is basic and polar, at codon 163 of the MYL2 protein (p.Glu163Lys). This variant is not present in population databases (gnomAD no frequency). This variant has not been reported in the literature in individuals affected with MYL2-related conditions. ClinVar contains an entry for this variant (Variation ID: 1051330). An algorithm developed to predict the effect of missense changes on protein structure and function (PolyPhen-2) suggests that this variant is likely to be disruptive. This variant disrupts the p.Glu163 amino acid residue in MYL2. Other variant(s) that disrupt this residue have been determined to be pathogenic (PMID: 24793961; Invitae). This suggests that this residue is clinically significant, and that variants that disrupt this residue are likely to be disease-causing. In summary, the available evidence is currently insufficient to determine the role of this variant in disease. Therefore, it has been classified as a Variant of Uncertain Significance.

Literature cited by the submitters: PubMed 24793961.

NM_000432.4(MYL2):c.487G>A (p.Glu163Lys)

Gene: MYL2 (myosin light chain 2; minus strand). Cytogenetic location: 12q24.11.
Variant type: single nucleotide variant.
Coding change: c.487G>A on transcript NM_000432.4 (MANE Select); coding-DNA position 487, G replaced by A.
Protein change: p.Glu163Lys; replaces glutamic acid 163 with lysine.
Molecular consequence: missense variant.
Genome position (GRCh38, 1-based): chr12:110,911,091, C>T on the plus strand (G>A on the coding strand, the complement: MYL2 is on the minus strand). VCF-style: chr12-110911091-C-T. GRCh37 (hg19) VCF-style: chr12-111348895-C-T.
Other names: short protein forms E163K.
Identifiers: ClinVar variation 1051330 (VCV001051330.9), dbSNP rs1131692323, ClinGen allele CA386696712.